The following is an entry in ClinVar:

ClinVar aggregate classification (germline): Uncertain significance (1 of 4 stars; one submission).

Conditions:
Dyskeratosis congenita, autosomal recessive 5 (DKCB5). Identifiers: MedGen C3554656, MONDO:0014076, OMIM 615190.
Pulmonary fibrosis and/or bone marrow failure, Telomere-related, 3. Also called: PULMONARY FIBROSIS AND/OR BONE MARROW FAILURE SYNDROME, TELOMERE-RELATED, 3. Identifiers: Orphanet 2032, MedGen C4225346, MONDO:0014613, OMIM 616373.

gnomAD v4.1: 3 of 1,608,648 alleles (0.00019%); highest among the groups gnomAD compares: Admixed American, 0.005%; no homozygotes.

Submission:

Labcorp Genetics (formerly Invitae), Labcorp
Classification: Uncertain significance for Dyskeratosis congenita, autosomal recessive 5; Pulmonary fibrosis and/or bone marrow failure, Telomere-related, 3. Last evaluated: 2025-06-24. Review status: criteria provided, single submitter. Criteria: Invitae Variant Classification Sherloc (09022015). Collection method: clinical testing. Allele origin: germline.
Comment: This sequence change replaces alanine, which is neutral and non-polar, with valine, which is neutral and non-polar, at codon 672 of the RTEL1 protein (p.Ala672Val). This variant is present in population databases (no rsID available, gnomAD 0.006%). This variant has not been reported in the literature in individuals affected with RTEL1-related conditions. An algorithm developed to predict the effect of missense changes on protein structure and function outputs the following: PolyPhen-2: "Benign". The valine amino acid residue is found in multiple mammalian species, which suggests that this missense change does not adversely affect protein function. In summary, the available evidence is currently insufficient to determine the role of this variant in disease. Therefore, it has been classified as a Variant of Uncertain Significance.

NM_001283009.2(RTEL1):c.2015C>T (p.Ala672Val)

Genes: RTEL1 (regulator of telomere elongation helicase 1; plus strand), RTEL1-TNFRSF6B (RTEL1-TNFRSF6B readthrough (NMD candidate); plus strand). Cytogenetic location: 20q13.33.
Variant type: single nucleotide variant.
Coding change: c.2015C>T on transcript NM_001283009.2 (MANE Select); coding-DNA position 2015, C replaced by T.
Protein change: p.Ala672Val; replaces alanine 672 with valine.
Molecular consequence: missense variant. On other transcripts: non-coding transcript variant (1).
Genome position (GRCh38, 1-based): chr20:63,689,638, C>T. VCF-style: chr20-63689638-C-T. GRCh37 (hg19) VCF-style: chr20-62320991-C-T.
Other names: c.1346C>T, p.Ala449Val (NM_001283010.1); c.2015C>T, p.Ala672Val (NM_016434.4); c.2087C>T, p.Ala696Val (NM_032957.5); short protein forms A449V, A696V, A672V.
Identifiers: ClinVar variation 4784566 (VCV004784566.1).